The following is an entry in ClinVar:

ClinVar aggregate classification (germline): Pathogenic (1 of 4 stars; one submission).

Submission:

Labcorp Genetics (formerly Invitae), Labcorp
Classification: Pathogenic. Last evaluated: 2023-11-05. Review status: criteria provided, single submitter. Criteria: Invitae Variant Classification Sherloc (09022015). Collection method: clinical testing. Allele origin: germline.
Comment: This sequence change creates a premature translational stop signal (p.Arg263Metfs*23) in the LOXHD1 gene. It is expected to result in an absent or disrupted protein product. Loss-of-function variants in LOXHD1 are known to be pathogenic (PMID: 19732867, 21465660, 25792669). This variant is not present in population databases (gnomAD no frequency). This variant has not been reported in the literature in individuals affected with LOXHD1-related conditions. For these reasons, this variant has been classified as Pathogenic.

Literature cited by the submitters: PubMed 19732867; PubMed 21465660; PubMed 25792669.

NM_001384474.1(LOXHD1):c.788_794del (p.Arg263fs)

Gene: LOXHD1 (lipoxygenase homology PLAT domains 1; minus strand). Cytogenetic location: 18q21.1.
Variant type: Deletion.
Coding change: c.788_794del on transcript NM_001384474.1 (MANE Select); coding-DNA positions 788 to 794, 7 bases deleted (GAAAATA; older notation c.788_794delGAAAATA).
Protein change: p.Arg263fs; shifts the reading frame from arginine 263.
Molecular consequence: frameshift variant.
Genome position (GRCh38, 1-based): chr18:46,604,195-46,604,201, TATTTTC deleted on the plus strand (GAAAATA on the coding strand, the reverse complement: LOXHD1 is on the minus strand); deleting any 7 consecutive bases within chr18:46,604,195-46,604,202 gives the same sequence; the c. name uses the placement nearest the transcript's 3' end. VCF-style (leftmost placement, unchanged base first): chr18-46604194-ATATTTTC-A. GRCh37 (hg19) VCF-style: chr18-44184157-ATATTTTC-A.
Other names: c.788_794del, p.Arg263fs (NM_144612.7); short protein forms R263fs.
Identifiers: ClinVar variation 2693491 (VCV002693491.3), dbSNP rs2511960871, ClinGen allele CA2697555439.